The following is an entry in ClinVar:

NM_001323289.2(CDKL5):c.2360_2363del (p.Lys787fs)

Gene: CDKL5 (cyclin dependent kinase like 5; plus strand). Cytogenetic location: Xp22.13.
Variant type: Deletion.
Coding change: c.2360_2363del on transcript NM_001323289.2 (MANE Select); coding-DNA positions 2360 to 2363, 4 bases deleted (AGAA; older notation c.2360_2363delAGAA).
Protein change: p.Lys787fs; shifts the reading frame from lysine 787.
Molecular consequence: frameshift variant.
Genome position (GRCh38, 1-based): chrX:18,619,950-18,619,953, AGAA deleted; deleting any 4 consecutive bases within chrX:18,619,948-18,619,953 gives the same sequence; the c. name uses the placement nearest the transcript's 3' end. VCF-style (leftmost placement, unchanged base first): chrX-18619947-AAAAG-A. GRCh37 (hg19) VCF-style: chrX-18638067-AAAAG-A.
Other names: c.2360_2363delAGAA (NM_003159.2); c.2360_2363del, p.Lys787fs (NM_001037343.2, NM_003159.3); short protein forms K787fs.
Identifiers: ClinVar variation 156651 (VCV000156651.11), dbSNP rs587783123, ClinGen allele CA294689.
Genomic context (GRCh38, chrX:18,619,947, plus strand): 5'-GTCATTCAGAGCAACTCAAGGAAAAAGAGAAGCAAGGATTTTTCAGGTCAATGAAAAAGA[AAAAG>A]AAGAAATCTCAAACAGTAAGTAGATGACCAGTTTCTATATATAATAACATGTTTCTGCAT-3'

ClinVar aggregate classification (germline): Pathogenic/Likely pathogenic. Review status: criteria provided, multiple submitters, no conflicts (2 of 4 stars). 3 submissions from 3 submitters: Pathogenic (2); Likely pathogenic (1). Last evaluated 2024-04-08.

Conditions:
Angelman syndrome-like. Identifiers: MedGen CN128785.
Developmental and epileptic encephalopathy, 2 (DEE2). Also called: INFANTILE SPASM SYNDROME, X-LINKED 2; CDKL5 deficiency disorder. Identifiers: Orphanet 1934, Orphanet 3451, Orphanet 505652, MedGen C4750718, MONDO:0010396, OMIM 300672.

Submissions (3):

Labcorp Genetics (formerly Invitae), Labcorp
Classification: Pathogenic for Developmental and epileptic encephalopathy, 2; Angelman syndrome-like. Last evaluated: 2024-04-08. Review status: criteria provided, single submitter. Criteria: Invitae Variant Classification Sherloc (09022015). Collection method: clinical testing. Allele origin: germline.
Comment: This sequence change creates a premature translational stop signal (p.Lys787Argfs*15) in the CDKL5 gene. It is expected to result in an absent or disrupted protein product. Loss-of-function variants in CDKL5 are known to be pathogenic (PMID: 22872100). This variant is not present in population databases (gnomAD no frequency). This premature translational stop signal has been observed in individual(s) with epilepsy and/or neurodevelopmental disorder (PMID: 29655203). ClinVar contains an entry for this variant (Variation ID: 156651). For these reasons, this variant has been classified as Pathogenic.

GeneDx
Classification: Pathogenic. Last evaluated: 2013-02-26. Review status: criteria provided, single submitter. Criteria: GeneDx Variant Classification (06012015). Collection method: clinical testing. Allele origin: germline. Affected: yes.
Comment: The c.2360_2363delAGAA mutation in the CDKL5 gene causes a frameshift starting with codon Lysine 787, changes this amino acid to an Arginine residue and creates a premature Stop codon at position 15 of the new reading frame, denoted p.Lys787ArgfsX15. This mutation is predicted to cause loss of normal protein function either through protein truncation or nonsense-mediated mRNA decay. The variant is found in INFANT-EPI,EPILEPSY panel(s).

Clinical Biomedical Laboratory, Shriners Hospital For Children - Canada
Classification: Likely pathogenic for Developmental and epileptic encephalopathy, 2. Review status: criteria provided, single submitter. Criteria: ACMG Guidelines, 2015. Collection method: clinical testing. Allele origin: germline. Affected: yes.
Comment: This variant is predicted to delete 4 nucleotides in the coding region of CDKL5, which introduces a frameshift and leads to a premature stop codon 15 amino acids downstream. This is expected to lead to degradation of the affected transcript and loss of function. Loss of function variants in CDKL5 are associated with developmental and epileptic encephalopathy 2, which is consistent with the reported phenotype of the proband. This variant is absent in the Genome Aggregation Database (gnomAD v2.1.1), indicating it is very rare.

Literature cited by the submitters: PubMed 22872100 (cited by Labcorp Genetics (formerly Invitae), Labcorp); PubMed 29655203 (cited by Labcorp Genetics (formerly Invitae), Labcorp).